The following is an entry in ClinVar:

ClinVar aggregate classification (germline): Uncertain significance (1 of 4 stars; one submission).

Conditions:
Nemaline myopathy 2 (NEM2). Also called: Nemaline myopathy 2, autosomal recessive. Identifiers: MedGen C1850569, MONDO:0009725, OMIM 256030.

Submission:

Labcorp Genetics (formerly Invitae), Labcorp
Classification: Uncertain significance for Nemaline myopathy 2. Last evaluated: 2022-11-08. Review status: criteria provided, single submitter. Criteria: Invitae Variant Classification Sherloc (09022015). Collection method: clinical testing. Allele origin: germline.
Comment: In summary, the available evidence is currently insufficient to determine the role of this variant in disease. Therefore, it has been classified as a Variant of Uncertain Significance. Algorithms developed to predict the effect of missense changes on protein structure and function are either unavailable or do not agree on the potential impact of this missense change (SIFT: "Deleterious"; PolyPhen-2: "Not Available"; Align-GVGD: "Class C0"). ClinVar contains an entry for this variant (Variation ID: 566368). This missense change has been observed in individual(s) with clinical features of NEB-related conditions (Invitae). This variant is not present in population databases (gnomAD no frequency). This sequence change replaces glutamine, which is neutral and polar, with proline, which is neutral and non-polar, at codon 2490 of the NEB protein (p.Gln2490Pro).

NM_001164508.2(NEB):c.7469A>C (p.Gln2490Pro)

Gene: NEB (nebulin; minus strand). Cytogenetic location: 2q23.3.
Variant type: single nucleotide variant.
Coding change: c.7469A>C on transcript NM_001164508.2 (MANE Select); coding-DNA position 7469, A replaced by C.
Protein change: p.Gln2490Pro; replaces glutamine 2490 with proline.
Molecular consequence: missense variant.
Genome position (GRCh38, 1-based): chr2:151,646,197, T>G on the plus strand (A>C on the coding strand, the complement: NEB is on the minus strand). VCF-style: chr2-151646197-T-G. GRCh37 (hg19) VCF-style: chr2-152502711-T-G.
Other names: c.7469A>C, p.Gln2490Pro (NM_001164507.2, NM_001271208.2, NM_004543.5); short protein forms Q2490P.
Identifiers: ClinVar variation 566368 (VCV000566368.8), dbSNP rs1446110323, ClinGen allele CA348785172.
Genomic context (GRCh38, chr2:151,646,197, plus strand): 5'-GTGTTGATTAAGTTTGCTTTAGCCAGAACAATGTCAGGTGTATCAGGCATGATGTGGATC[T>G]GAGTCTTGTCTTTGTCCCAAGCTTCTCTATAAAGTCTCTAAAATAAGAAATAATAATTTT-3'
Protein context (NP_001157980.2, residues 2480-2500): YREAWDKDKT[Gln2490Pro]IHIMPDTPDI